The following is an entry in ClinVar:

NM_004341.5(CAD):c.222+5C>A

Gene: CAD (carbamoyl-phosphate synthetase 2, aspartate transcarbamylase, and dihydroorotase; plus strand). Cytogenetic location: 2p23.3.
Variant type: single nucleotide variant.
Coding change: c.222+5C>A on transcript NM_004341.5 (MANE Select); 5 bases into the intron after coding-DNA position 222, C replaced by A.
Molecular consequence: intron variant.
Genome position (GRCh38, 1-based): chr2:27,218,021, C>A. VCF-style: chr2-27218021-C-A. GRCh37 (hg19) VCF-style: chr2-27440889-C-A.
Other names: c.222+5C>A (NM_001306079.2).
Identifiers: ClinVar variation 2046524 (VCV002046524.4), dbSNP rs1270463691, ClinGen allele CA531423486.

ClinVar aggregate classification (germline): Uncertain significance (1 of 4 stars; one submission).

Submission:

Labcorp Genetics (formerly Invitae), Labcorp
Classification: Uncertain significance. Last evaluated: 2022-05-14. Review status: criteria provided, single submitter. Criteria: Invitae Variant Classification Sherloc (09022015). Collection method: clinical testing. Allele origin: germline.
Comment: This sequence change falls in intron 2 of the CAD gene. It does not directly change the encoded amino acid sequence of the CAD protein. It affects a nucleotide within the consensus splice site. The frequency data for this variant in the population databases is considered unreliable, as metrics indicate poor data quality at this position in the gnomAD database. This variant has not been reported in the literature in individuals affected with CAD-related conditions. Variants that disrupt the consensus splice site are a relatively common cause of aberrant splicing (PMID: 17576681, 9536098). Algorithms developed to predict the effect of sequence changes on RNA splicing suggest that this variant is not likely to affect RNA splicing. In summary, the available evidence is currently insufficient to determine the role of this variant in disease. Therefore, it has been classified as a Variant of Uncertain Significance.

Literature cited by the submitters: PubMed 17576681; PubMed 9536098.